The following is an entry in ClinVar:

ClinVar aggregate classification (germline): Likely benign (0 of 4 stars; one submission).

Conditions:
PDZD2-related disorder. Also called: PDZD2-related condition.

Allele frequency attached by ClinVar (database versions not stated): ESP Exome Variant Server 0.00008; gnomAD 0.00032; TOPMed 0.00048; ExAC 0.00075; 1000 Genomes Project 0.00120; 1000 Genomes Project 30x 0.00172.
gnomAD v4.1: 369 of 1,611,770 alleles (0.023%); highest among the groups gnomAD compares: East Asian, 0.67%; no homozygotes.

Submission:

PreventionGenetics, part of Exact Sciences
Classification: Likely benign for PDZD2-related condition. Last evaluated: 2019-03-26. Review status: no assertion criteria provided. Collection method: clinical testing. Allele origin: germline.
Comment: This variant is classified as likely benign based on ACMG/AMP sequence variant interpretation guidelines (Richards et al. 2015 PMID: 25741868, with internal and published modifications).

NM_178140.4(PDZD2):c.4412G>A (p.Arg1471His)

Gene: PDZD2 (PDZ domain containing 2; plus strand). Cytogenetic location: 5p13.3.
Variant type: single nucleotide variant.
Coding change: c.4412G>A on transcript NM_178140.4 (MANE Select); coding-DNA position 4412, G replaced by A.
Protein change: p.Arg1471His; replaces arginine 1471 with histidine.
Molecular consequence: missense variant.
Genome position (GRCh38, 1-based): chr5:32,087,860, G>A. VCF-style: chr5-32087860-G-A. GRCh37 (hg19) VCF-style: chr5-32087966-G-A.
Other names: short protein forms R1471H.
Identifiers: ClinVar variation 3051029 (VCV003051029.2), dbSNP rs191639635, ClinGen allele CA3219709.